The following is an entry in ClinVar:

ClinVar aggregate classification (germline): Uncertain significance (1 of 4 stars; one submission).

Submission:

GeneDx
Classification: Uncertain significance. Last evaluated: 2024-10-14. Review status: criteria provided, single submitter. Criteria: GeneDx Variant Classification Process June 2021. Collection method: clinical testing. Allele origin: germline. Affected: yes.
Comment: Not observed at significant frequency in large population cohorts (gnomAD); In silico analysis indicates that this missense variant does not alter protein structure/function; In silico analysis is inconclusive as to whether the variant alters gene splicing. In the absence of RNA/functional studies, the actual effect of this sequence change is unknown.; Has not been previously published as pathogenic or benign to our knowledge

NM_001081550.2(THOC2):c.2275G>A (p.Gly759Arg)

Gene: THOC2 (THO complex subunit 2; minus strand). Cytogenetic location: Xq25.
Variant type: single nucleotide variant.
Coding change: c.2275G>A on transcript NM_001081550.2 (MANE Select); coding-DNA position 2275, G replaced by A.
Protein change: p.Gly759Arg; replaces glycine 759 with arginine.
Molecular consequence: missense variant.
Genome position (GRCh38, 1-based): chrX:123,632,902, C>T on the plus strand (G>A on the coding strand, the complement: THOC2 is on the minus strand). VCF-style: chrX-123632902-C-T. GRCh37 (hg19) VCF-style: chrX-122766753-C-T.
Other names: short protein forms G759R.
Identifiers: ClinVar variation 3781120 (VCV003781120.1).
Genomic context (GRCh38, chrX:123,632,902, plus strand): 5'-AAAAGCCACTTTAACTTGCCTGGTCATAGAGCTTTCCCACAAGTTTCAAATGTTTCTCTC[C>T]ACCTTCCTGAAAGATTACCCCATTTCTCTGCTGAGCCATAAGCAGACAGAGAGGAAGGGC-3'
Protein context (NP_001075019.1, residues 749-769): QRNGVIFQEG[Gly759Arg]EKHLKLVGKL